The following is an entry in ClinVar:

NM_000179.3(MSH6):c.674T>G (p.Ile225Ser)

Gene: MSH6 (mutS homolog 6; plus strand). Cytogenetic location: 2p16.3.
Variant type: single nucleotide variant.
Coding change: c.674T>G on transcript NM_000179.3 (MANE Select); coding-DNA position 674, T replaced by G.
Protein change: p.Ile225Ser; replaces isoleucine 225 with serine.
Molecular consequence: missense variant. On other transcripts: 5 prime UTR variant (2).
Genome position (GRCh38, 1-based): chr2:47,798,657, T>G. VCF-style: chr2-47798657-T-G. GRCh37 (hg19) VCF-style: chr2-48025796-T-G.
Other names: c.284T>G, p.Ile95Ser (NM_001281492.2); c.-233T>G (NM_001281493.2, NM_001281494.2); short protein forms I95S, I225S.
Identifiers: ClinVar variation 640385 (VCV000640385.9), dbSNP rs1553412096, ClinGen allele CA346739438.

ClinVar aggregate classification (germline): Uncertain significance (1 of 4 stars; one submission).

Conditions:
Hereditary nonpolyposis colorectal neoplasms. Identifiers: MedGen C0009405, MeSH D003123.

Submission:

Labcorp Genetics (formerly Invitae), Labcorp
Classification: Uncertain significance for Hereditary nonpolyposis colorectal neoplasms. Last evaluated: 2018-10-26. Review status: criteria provided, single submitter. Criteria: Invitae Variant Classification Sherloc (09022015). Collection method: clinical testing. Allele origin: germline.
Comment: This variant has not been reported in the literature in individuals with MSH6-related disease. In summary, the available evidence is currently insufficient to determine the role of this variant in disease. Therefore, it has been classified as a Variant of Uncertain Significance. Algorithms developed to predict the effect of sequence changes on RNA splicing suggest that this variant may create or strengthen a splice site, but this prediction has not been confirmed by published transcriptional studies. Algorithms developed to predict the effect of missense changes on protein structure and function output the following: SIFT: "Tolerated"; PolyPhen-2: "Benign"; Align-GVGD: "Class C0". The serine amino acid residue is found in multiple mammalian species, suggesting that this missense change does not adversely affect protein function. These predictions have not been confirmed by published functional studies and their clinical significance is uncertain. This variant is not present in population databases (ExAC no frequency). This sequence change replaces isoleucine with serine at codon 225 of the MSH6 protein (p.Ile225Ser). The isoleucine residue is weakly conserved and there is a large physicochemical difference between isoleucine and serine.